The following is an entry in ClinVar:

NM_004793.4(LONP1):c.2843C>G (p.Pro948Arg)

Gene: LONP1 (lon peptidase 1, mitochondrial; minus strand). Cytogenetic location: 19p13.3.
Variant type: single nucleotide variant.
Coding change: c.2843C>G on transcript NM_004793.4 (MANE Select); coding-DNA position 2843, C replaced by G.
Protein change: p.Pro948Arg; replaces proline 948 with arginine.
Molecular consequence: missense variant. On other transcripts: non-coding transcript variant (1).
Genome position (GRCh38, 1-based): chr19:5,692,069, G>C on the plus strand (C>G on the coding strand, the complement: LONP1 is on the minus strand). VCF-style: chr19-5692069-G-C. GRCh37 (hg19) VCF-style: chr19-5692080-G-C.
Other names: c.2651C>G, p.Pro884Arg (NM_001276479.2); c.2255C>G, p.Pro752Arg (NM_001276480.1); short protein forms P884R, P948R, P752R.
Identifiers: ClinVar variation 1373327 (VCV001373327.8), dbSNP rs781191991, ClinGen allele CA403524694.

ClinVar aggregate classification (germline): Uncertain significance (1 of 4 stars; one submission).

Submission:

Labcorp Genetics (formerly Invitae), Labcorp
Classification: Uncertain significance. Last evaluated: 2022-07-06. Review status: criteria provided, single submitter. Criteria: Invitae Variant Classification Sherloc (09022015). Collection method: clinical testing. Allele origin: germline.
Comment: This sequence change replaces proline, which is neutral and non-polar, with arginine, which is basic and polar, at codon 948 of the LONP1 protein (p.Pro948Arg). This variant is not present in population databases (gnomAD no frequency). In summary, the available evidence is currently insufficient to determine the role of this variant in disease. Therefore, it has been classified as a Variant of Uncertain Significance. Algorithms developed to predict the effect of missense changes on protein structure and function (SIFT, PolyPhen-2, Align-GVGD) all suggest that this variant is likely to be tolerated. ClinVar contains an entry for this variant (Variation ID: 1373327). This variant has not been reported in the literature in individuals affected with LONP1-related conditions.